The following is an entry in ClinVar:

ClinVar aggregate classification (germline): Uncertain significance (1 of 4 stars; one submission).

Conditions:
Inborn genetic diseases. Identifiers: MedGen C0950123, MeSH D030342.

Submission:

Ambry Genetics
Classification: Uncertain significance for Inborn genetic diseases. Last evaluated: 2023-05-26. Review status: criteria provided, single submitter. Criteria: Ambry Variant Classification Scheme 2023. Collection method: clinical testing. Allele origin: germline.
Comment: The p.N704K variant (also known as c.2112C>A), located in coding exon 13 of the EPAS1 gene, results from a C to A substitution at nucleotide position 2112. The asparagine at codon 704 is replaced by lysine, an amino acid with similar properties. This amino acid position is conserved. In addition, this alteration is predicted to be tolerated by in silico analysis. Since supporting evidence is limited at this time, the clinical significance of this alteration remains unclear.

NM_001430.5(EPAS1):c.2112C>A (p.Asn704Lys)

Gene: EPAS1 (endothelial PAS domain protein 1; plus strand). Cytogenetic location: 2p21.
Variant type: single nucleotide variant.
Coding change: c.2112C>A on transcript NM_001430.5 (MANE Select); coding-DNA position 2112, C replaced by A.
Protein change: p.Asn704Lys; replaces asparagine 704 with lysine.
Molecular consequence: missense variant.
Genome position (GRCh38, 1-based): chr2:46,381,662, C>A. VCF-style: chr2-46381662-C-A. GRCh37 (hg19) VCF-style: chr2-46608801-C-A.
Other names: short protein forms N704K.
Identifiers: ClinVar variation 2562024 (VCV002562024.2), dbSNP rs1328987519, ClinGen allele CA346705553.